The following is an entry in ClinVar:

NM_001034853.2(RPGR):c.2656GAGGGAGAAGAGGAAGGAGAAGGGGAGGGAGAAGAGGAGGAAGGAGAAGGG[3] (p.Gly919_Lys920insGluGlyGluGluGluGlyGluGlyGluGlyGluGluGluGluGlyGluGly)

Gene: RPGR (retinitis pigmentosa GTPase regulator; minus strand). Cytogenetic location: Xp11.4.
Variant type: Microsatellite.
Coding change: c.2656GAGGGAGAAGAGGAAGGAGAAGGGGAGGGAGAAGAGGAGGAAGGAGAAGGG[3] on transcript NM_001034853.2 (MANE Select); three copies in a row of the 51-base unit GAGGGAGAAGAGGAAGGAGAAGGGGAGGGAGAAGAGGAGGAAGGAGAAGGG starting at c.2656.
Protein change: p.Gly919_Lys920insGluGlyGluGluGluGlyGluGlyGluGlyGluGluGluGluGlyGluGly.
Molecular consequence: inframe insertion. On other transcripts: intron variant (8).
Genome position: GRCh38, VCF-style position (the base before the change): chrX:38,286,241. GRCh37 (hg19), VCF-style position (the base before the change): chrX:38,145,494.
Other names: c.1569+4616GAGGGAGAAGAGGAAGGAGAAGGGGAGGGAGAAGAGGAGGAAGGAGAAGGG[3] (NM_001367249.1, NM_001367250.1); c.1902+751GAGGGAGAAGAGGAAGGAGAAGGGGAGGGAGAAGAGGAGGAAGGAGAAGGG[3] (NM_001367245.1); c.1386+4616GAGGGAGAAGAGGAAGGAGAAGGGGAGGGAGAAGAGGAGGAAGGAGAAGGG[3] (NM_001367251.1); c.1719+751GAGGGAGAAGAGGAAGGAGAAGGGGAGGGAGAAGAGGAGGAAGGAGAAGGG[3] (NM_001367246.1); c.1572+4616GAGGGAGAAGAGGAAGGAGAAGGGGAGGGAGAAGAGGAGGAAGGAGAAGGG[3] (NM_001367247.1); c.1905+751GAGGGAGAAGAGGAAGGAGAAGGGGAGGGAGAAGAGGAGGAAGGAGAAGGG[3] (NM_000328.3); c.1602+4616GAGGGAGAAGAGGAAGGAGAAGGGGAGGGAGAAGAGGAGGAAGGAGAAGGG[3] (NM_001367248.1).
Identifiers: ClinVar variation 1802368 (VCV001802368.7), dbSNP rs2519787339, ClinGen allele CA2580616978.

ClinVar aggregate classification (germline): Uncertain significance. Review status: criteria provided, multiple submitters, no conflicts (2 of 4 stars). 2 submissions from 2 submitters: Uncertain significance (2). Last evaluated 2022-01-17.

Conditions:
Primary ciliary dyskinesia. Also called: Ciliary dyskinesia. Identifiers: Orphanet 244, MedGen C0008780, MONDO:0016575, HP:0012265.

Submissions (2):

Labcorp Genetics (formerly Invitae), Labcorp
Classification: Uncertain significance for Primary ciliary dyskinesia. Last evaluated: 2022-01-17. Review status: criteria provided, single submitter. Criteria: Invitae Variant Classification Sherloc (09022015). Collection method: clinical testing. Allele origin: germline.
Comment: In summary, the available evidence is currently insufficient to determine the role of this variant in disease. Therefore, it has been classified as a Variant of Uncertain Significance. Experimental studies and prediction algorithms are not available or were not evaluated, and the functional significance of this variant is currently unknown. This variant has not been reported in the literature in individuals affected with RPGR (ORF15)-related conditions. This variant is not present in population databases (gnomAD no frequency). This variant, c.2707_2757dup, results in the insertion of 17 amino acid(s) of the RPGR (ORF15) protein (p.Glu903_Gly919dup), but otherwise preserves the integrity of the reading frame.

PreventionGenetics, part of Exact Sciences
Classification: Uncertain significance. Last evaluated: 2017-08-21. Review status: criteria provided, single submitter. Criteria: ACMG Guidelines, 2015. Collection method: clinical testing. Allele origin: germline.